The following is an entry in ClinVar:

NM_002691.4(POLD1):c.3064C>A (p.Gln1022Lys)

Gene: POLD1 (DNA polymerase delta 1, catalytic subunit; plus strand). Cytogenetic location: 19q13.33.
Variant type: single nucleotide variant.
Coding change: c.3064C>A on transcript NM_002691.4 (MANE Select); coding-DNA position 3064, C replaced by A.
Protein change: p.Gln1022Lys; replaces glutamine 1022 with lysine.
Molecular consequence: missense variant. On other transcripts: non-coding transcript variant (1).
Genome position (GRCh38, 1-based): chr19:50,416,720, C>A. VCF-style: chr19-50416720-C-A. GRCh37 (hg19) VCF-style: chr19-50919977-C-A.
Other names: c.3064C>A, p.Gln1022Lys (NM_001256849.1); c.3142C>A, p.Gln1048Lys (NM_001308632.1); short protein forms Q1022K, Q1048K.
Identifiers: ClinVar variation 1799408 (VCV001799408.2), dbSNP rs2039311275, ClinGen allele CA406987025.

ClinVar aggregate classification (germline): Uncertain significance (1 of 4 stars; one submission).

Conditions:
Hereditary cancer-predisposing syndrome. Also called: Neoplastic Syndromes, Hereditary; Tumor predisposition; Hereditary Cancer Syndrome; Hereditary neoplastic syndrome. Identifiers: Orphanet 140162, MedGen C0027672, MeSH D009386, MONDO:0015356.

Allele frequency attached by ClinVar (database versions not stated): gnomAD exomes below 0.00001.
gnomAD v4.1: 2 of 1,533,198 alleles (0.00013%); highest among the groups gnomAD compares: Non-Finnish European, 0.00017%; no homozygotes.

Submission:

Ambry Genetics
Classification: Uncertain significance for Hereditary cancer-predisposing syndrome. Last evaluated: 2022-10-20. Review status: criteria provided, single submitter. Criteria: Ambry Variant Classification Scheme 2023. Collection method: clinical testing. Allele origin: germline.
Comment: The p.Q1022K variant (also known as c.3064C>A), located in coding exon 23 of the POLD1 gene, results from a C to A substitution at nucleotide position 3064. The glutamine at codon 1022 is replaced by lysine, an amino acid with similar properties. This amino acid position is conserved. In addition, this alteration is predicted to be tolerated by in silico analysis. Since supporting evidence is limited at this time, the clinical significance of this alteration remains unclear.